The following is an entry in ClinVar:

ClinVar aggregate classification (germline): Uncertain significance (1 of 4 stars; one submission).

gnomAD v4.1: 3 of 1,613,728 alleles (0.00019%); highest among the groups gnomAD compares: Non-Finnish European, 0.00025%; no homozygotes.

Submission:

Labcorp Genetics (formerly Invitae), Labcorp
Classification: Uncertain significance. Last evaluated: 2021-08-04. Review status: criteria provided, single submitter. Criteria: Invitae Variant Classification Sherloc (09022015). Collection method: clinical testing. Allele origin: germline.
Comment: This sequence change replaces isoleucine with valine at codon 1322 of the CDH23 protein (p.Ile1322Val). The isoleucine residue is highly conserved and there is a small physicochemical difference between isoleucine and valine. This variant is not present in population databases (ExAC no frequency). This variant has not been reported in the literature in individuals affected with CDH23-related conditions. Algorithms developed to predict the effect of missense changes on protein structure and function output the following: SIFT: "Deleterious"; PolyPhen-2: "Not Available"; Align-GVGD: "Class C25". The valine amino acid residue is found in multiple mammalian species, which suggests that this missense change does not adversely affect protein function. In summary, the available evidence is currently insufficient to determine the role of this variant in disease. Therefore, it has been classified as a Variant of Uncertain Significance.

NM_022124.6(CDH23):c.3964A>G (p.Ile1322Val)

Genes: C10orf105 (chromosome 10 open reading frame 105; minus strand), CDH23 (cadherin related 23; plus strand). Cytogenetic location: 10q22.1.
Variant type: single nucleotide variant.
Coding change: c.3964A>G on transcript NM_022124.6 (MANE Select); coding-DNA position 3964, A replaced by G.
Protein change: p.Ile1322Val; replaces isoleucine 1322 with valine.
Molecular consequence: missense variant. On other transcripts: intron variant (1).
Genome position (GRCh38, 1-based): chr10:71,732,235, A>G. VCF-style: chr10-71732235-A-G. GRCh37 (hg19) VCF-style: chr10-73491992-A-G.
Other names: c.3964A>G, p.Ile1322Val (NM_001171930.2); c.-6+5493T>C (NM_001168390.2); short protein forms I1322V.
Identifiers: ClinVar variation 1510153 (VCV001510153.7), dbSNP rs1258054683, ClinGen allele CA377156631.
Genomic context (GRCh38, chr10:71,732,235, plus strand): 5'-ACTCTGCTCAACGAGCTGGACGAGGCCGTGCAGTTCTCCAATGCCTCATACGAGGCTGCC[A>G]TCCTGGAGAATCTGGCACTGGGTACTGAGATTGTGCGGGTCCAGGCCTACTCCATCGACA-3'
Protein context (NP_071407.4, residues 1312-1332): QFSNASYEAA[Ile1322Val]LENLALGTEI